The following is an entry in ClinVar:

NM_001035.3(RYR2):c.10663G>A (p.Ala3555Thr)

Gene: RYR2 (ryanodine receptor 2; plus strand). Cytogenetic location: 1q43.
Variant type: single nucleotide variant.
Coding change: c.10663G>A on transcript NM_001035.3 (MANE Select); coding-DNA position 10663, G replaced by A.
Protein change: p.Ala3555Thr; replaces alanine 3555 with threonine.
Molecular consequence: missense variant.
Genome position (GRCh38, 1-based): chr1:237,723,236, G>A. VCF-style: chr1-237723236-G-A. GRCh37 (hg19) VCF-style: chr1-237886536-G-A.
Other names: c.10663G>A (NM_001035.2); short protein forms A3555T.
Identifiers: ClinVar variation 927332 (VCV000927332.9), dbSNP rs1689900582, ClinGen allele CA345416201.
Genomic context (GRCh38, chr1:237,723,236, plus strand): 5'-CCAAACAGGACTGATGATACCTCAGATCCAGAGAAGACGGTAGAAAGAGTATTGGATATA[G>A]CAAATGTGCTTTTTCATCTTGAACAGGTCAGGCTTTGTGTCAATTCAATCATATTTGCCT-3'
Protein context (NP_001026.2, residues 3545-3565): EKTVERVLDI[Ala3555Thr]NVLFHLEQKS

ClinVar aggregate classification (germline): Uncertain significance. Review status: criteria provided, multiple submitters, no conflicts (2 of 4 stars). 4 submissions from 4 submitters: Uncertain significance (4). Last evaluated 2025-05-25.

Conditions:
Cardiomyopathy (CMYO). Also called: Cardiomyopathies. Identifiers: Orphanet 167848, MedGen C0878544, MONDO:0004994, HP:0001638. Inheritance: Various modes of inheritance.
Catecholaminergic polymorphic ventricular tachycardia 1. Also called: VENTRICULAR TACHYCARDIA, CATECHOLAMINERGIC POLYMORPHIC, 1, WITH OR WITHOUT ATRIAL DYSFUNCTION AND/OR DILATED CARDIOMYOPATHY; VENTRICULAR TACHYCARDIA, STRESS-INDUCED POLYMORPHIC 1; RYR2-Related Catecholaminergic Polymorphic Ventricular Tachycardia. Identifiers: Orphanet 3286, MedGen C1631597, MONDO:0011484, OMIM 604772.
Cardiovascular phenotype. Identifiers: MedGen CN230736.
Arrhythmogenic right ventricular dysplasia 2. Identifiers: MedGen C1832931.
Ventricular arrhythmias due to cardiac ryanodine receptor calcium release deficiency syndrome. Also called: Autosomal dominant cardiac arrhythmia (Kuhn). Identifiers: MedGen C5542154, MONDO:0020745, OMIM 115000.

Submissions (4):

Ambry Genetics
Classification: Uncertain significance for Cardiovascular phenotype. Last evaluated: 2025-05-25. Review status: criteria provided, single submitter. Criteria: Ambry Variant Classification Scheme 2023. Collection method: clinical testing. Allele origin: germline.
Comment: The p.A3555T variant (also known as c.10663G>A), located in coding exon 74 of the RYR2 gene, results from a G to A substitution at nucleotide position 10663. The alanine at codon 3555 is replaced by threonine, an amino acid with similar properties. This variant was reported in individual(s) with features consistent with RYR2-related ventricular arrhythmia (Ambry internal data). This amino acid position is well conserved in available vertebrate species. In addition, the in silico prediction for this alteration is inconclusive. Based on the available evidence, the clinical significance of this variant remains unclear.

Color Diagnostics, LLC DBA Color Health
Classification: Uncertain significance for Cardiomyopathy. Last evaluated: 2024-03-06. Review status: criteria provided, single submitter. Criteria: ACMG Guidelines, 2015. Collection method: clinical testing. Allele origin: germline.
Comment: This missense variant replaces alanine with threonine at codon 3555 of the RYR2 protein. Computational prediction suggests that this variant may not impact protein structure and function (internally defined REVEL score threshold <= 0.5, PMID: 27666373). Splice site prediction tools suggest that this variant may not impact RNA splicing. To our knowledge, functional studies have not been performed for this variant. This variant has not been reported in individuals affected with cardiovascular disorders in the literature. This variant has not been identified in the general population by the Genome Aggregation Database (gnomAD). The available evidence is insufficient to determine the role of this variant in disease conclusively. Therefore, this variant is classified as a Variant of Uncertain Significance.

Labcorp Genetics (formerly Invitae), Labcorp
Classification: Uncertain significance for Catecholaminergic polymorphic ventricular tachycardia 1. Last evaluated: 2023-02-28. Review status: criteria provided, single submitter. Criteria: Invitae Variant Classification Sherloc (09022015). Collection method: clinical testing. Allele origin: germline.
Comment: In summary, the available evidence is currently insufficient to determine the role of this variant in disease. Therefore, it has been classified as a Variant of Uncertain Significance. Advanced modeling of protein sequence and biophysical properties (such as structural, functional, and spatial information, amino acid conservation, physicochemical variation, residue mobility, and thermodynamic stability) performed at Invitae indicates that this missense variant is not expected to disrupt RYR2 protein function. ClinVar contains an entry for this variant (Variation ID: 927332). This variant has not been reported in the literature in individuals affected with RYR2-related conditions. This variant is not present in population databases (gnomAD no frequency). This sequence change replaces alanine, which is neutral and non-polar, with threonine, which is neutral and polar, at codon 3555 of the RYR2 protein (p.Ala3555Thr).

Fulgent Genetics
Classification: Uncertain significance for Ventricular arrhythmias due to cardiac ryanodine receptor calcium release deficiency syndrome; Catecholaminergic polymorphic ventricular tachycardia 1. Last evaluated: 2021-11-10. Review status: criteria provided, single submitter. Criteria: ACMG Guidelines, 2015. Collection method: clinical testing. Allele origin: unknown.